The following is an entry in ClinVar:

ClinVar aggregate classification (germline): Uncertain significance (1 of 4 stars; one submission).

Submission:

Labcorp Genetics (formerly Invitae), Labcorp
Classification: Uncertain significance. Last evaluated: 2023-01-15. Review status: criteria provided, single submitter. Criteria: Invitae Variant Classification Sherloc (09022015). Collection method: clinical testing. Allele origin: germline.
Comment: This sequence change falls in intron 3 of the DDX41 gene. It does not directly change the encoded amino acid sequence of the DDX41 protein. In summary, the available evidence is currently insufficient to determine the role of this variant in disease. Therefore, it has been classified as a Variant of Uncertain Significance. Experimental studies and prediction algorithms are not available or were not evaluated, and the effect of this variant on mRNA splicing is currently unknown. This variant has not been reported in the literature in individuals affected with DDX41-related conditions. Information on the frequency of this variant in the gnomAD database is not available, as this variant may be reported differently in the database.

NM_016222.4(DDX41):c.298+13_298+14delinsAT

Gene: DDX41 (DEAD-box helicase 41; minus strand). Cytogenetic location: 5q35.3.
Variant type: Indel.
Coding change: c.298+13_298+14delinsAT on transcript NM_016222.4 (MANE Select); bases 13 to 14 of the intron after coding-DNA position 298, GC replaced by AT.
Molecular consequence: intron variant.
Genome position (GRCh38, 1-based): chr5:177,516,274-177,516,275, GC replaced by AT on the plus strand (GC replaced by AT on the coding strand, the reverse complement: DDX41 is on the minus strand). VCF-style: chr5-177516274-GC-AT. GRCh37 (hg19) VCF-style: chr5-176943275-GC-AT.
Other names: c.-81+13_-81+14delinsAT (NM_001321830.2, NM_001321732.2).
Identifiers: ClinVar variation 3000009 (VCV003000009.3), dbSNP rs2532089872, ClinGen allele CA2740094193.